The following is an entry in ClinVar:

ClinVar aggregate classification (germline): Uncertain significance (1 of 4 stars; one submission).

Conditions:
Cardiovascular phenotype. Identifiers: MedGen CN230736.

Submission:

Ambry Genetics
Classification: Uncertain significance for Cardiovascular phenotype. Last evaluated: 2024-08-01. Review status: criteria provided, single submitter. Criteria: Ambry Variant Classification Scheme 2023. Collection method: clinical testing. Allele origin: germline.
Comment: The p.R1109G variant (also known as c.3325A>G), located in coding exon 12 of the RBM20 gene, results from an A to G substitution at nucleotide position 3325. The arginine at codon 1109 is replaced by glycine, an amino acid with dissimilar properties. This amino acid position is not well conserved in available vertebrate species. In addition, this alteration is predicted to be tolerated by in silico analysis. Based on the available evidence, the clinical significance of this variant remains unclear.

NM_001134363.3(RBM20):c.3325A>G (p.Arg1109Gly)

Gene: RBM20 (RNA binding motif protein 20; plus strand). Cytogenetic location: 10q25.2.
Variant type: single nucleotide variant.
Coding change: c.3325A>G on transcript NM_001134363.3 (MANE Select); coding-DNA position 3325, A replaced by G.
Protein change: p.Arg1109Gly; replaces arginine 1109 with glycine.
Molecular consequence: missense variant.
Genome position (GRCh38, 1-based): chr10:110,823,488, A>G. VCF-style: chr10-110823488-A-G. GRCh37 (hg19) VCF-style: chr10-112583246-A-G.
Other names: short protein forms R1109G.
Identifiers: ClinVar variation 3431225 (VCV003431225.1).